The following is an entry in ClinVar:

ClinVar aggregate classification (germline): Pathogenic (0 of 4 stars; one submission).

Conditions:
Autosomal recessive nonsyndromic hearing loss 7. Also called: DEAFNESS, AUTOSOMAL RECESSIVE 11. Identifiers: Orphanet 90636, MedGen C1832978, MONDO:0010967, OMIM 600974.

Submission:

Department of Genetics, Dr. ALM PG Institute of Basic Medical Sciences
Classification: Pathogenic for Autosomal recessive nonsyndromic hearing loss 7. Last evaluated: 2022-06-12. Review status: no assertion criteria provided. Collection method: research. Allele origin: biparental. Inheritance: Autosomal recessive inheritance. Affected: yes.
Comment: this deletion variant in TMC1 is well segregating in family with HL

NM_138691.3(TMC1):c.871del (p.Val291fs)

Gene: TMC1 (transmembrane channel like 1; plus strand). Cytogenetic location: 9q21.13.
Variant type: Deletion.
Coding change: c.871del on transcript NM_138691.3 (MANE Select); coding-DNA position 871, one base deleted (G; older notation c.871delG).
Protein change: p.Val291fs; shifts the reading frame from valine 291.
Molecular consequence: frameshift variant.
Genome position (GRCh38, 1-based): chr9:72,772,542, G deleted; the last of 2 consecutive G bases (chr9:72,772,541-72,772,542); deleting either gives the same sequence. VCF-style (leftmost placement, unchanged base first): chr9-72772540-TG-T. GRCh37 (hg19) VCF-style: chr9-75387456-TG-T.
Other names: c.870del (NM_138691.3); short protein forms V291fs.
Identifiers: ClinVar variation 3024460 (VCV003024460.1), dbSNP rs2489883765, ClinGen allele CA2740095490.